The following is an entry in ClinVar:

NM_001267550.2(TTN):c.90129A>G (p.Thr30043=)

Genes: TTN-AS1 (TTN antisense RNA 1; plus strand), TTN (titin; minus strand). Cytogenetic location: 2q31.2.
Variant type: single nucleotide variant.
Coding change: c.90129A>G on transcript NM_001267550.2 (MANE Select); coding-DNA position 90129, A replaced by G.
Protein change: p.Thr30043=; no amino-acid change (threonine 30043 retained).
Molecular consequence: synonymous variant.
Genome position (GRCh38, 1-based): chr2:178,552,771, T>C on the plus strand (A>G on the coding strand, the complement: TTN is on the minus strand). VCF-style: chr2-178552771-T-C. GRCh37 (hg19) VCF-style: chr2-179417498-T-C.
Other names: c.82425A>G, p.Thr27475= (NM_133378.4); c.85206A>G, p.Thr28402= (NM_001256850.1); c.62934A>G, p.Thr20978= (NM_003319.4); c.63309A>G, p.Thr21103= (NM_133432.3); c.63510A>G, p.Thr21170= (NM_133437.4).
Identifiers: ClinVar variation 179573 (VCV000179573.8), dbSNP rs727504960, ClinGen allele CA184689.

ClinVar aggregate classification (germline): Likely benign. Review status: criteria provided, multiple submitters, no conflicts (2 of 4 stars). 3 submissions from 3 submitters: Likely benign (3). Last evaluated 2025-12-28.

Conditions:
Cardiovascular phenotype. Identifiers: MedGen CN230736.
Dilated cardiomyopathy 1G (CMD1G). Identifiers: Orphanet 154, MedGen C1858763, MONDO:0011400, OMIM 604145.
Autosomal recessive limb-girdle muscular dystrophy type 2J (LGMDR10). Also called: Limb-girdle muscular dystrophy, type 2J; MUSCULAR DYSTROPHY, LIMB-GIRDLE, AUTOSOMAL RECESSIVE 10. Identifiers: Orphanet 140922, MedGen C1837342, MONDO:0012127, OMIM 608807.

Allele frequency attached by ClinVar (database versions not stated): TOPMed below 0.00001; gnomAD exomes 0.00001.
gnomAD v4.1: 3 of 1,613,974 alleles (0.00019%); highest among the groups gnomAD compares: East Asian, 0.0045%; no homozygotes.

Submissions (3):

Labcorp Genetics (formerly Invitae), Labcorp
Classification: Likely benign for Dilated cardiomyopathy 1G; Autosomal recessive limb-girdle muscular dystrophy type 2J. Last evaluated: 2025-12-28. Review status: criteria provided, single submitter. Criteria: Invitae Variant Classification Sherloc (09022015). Collection method: clinical testing. Allele origin: germline.

Ambry Genetics
Classification: Likely benign for Cardiovascular phenotype. Last evaluated: 2023-10-12. Review status: criteria provided, single submitter. Criteria: Ambry Variant Classification Scheme 2023. Collection method: clinical testing. Allele origin: germline.

Laboratory for Molecular Medicine, Mass General Brigham Personalized Medicine
Classification: Likely benign. Last evaluated: 2014-02-28. Review status: criteria provided, single submitter. Criteria: LMM Criteria. Collection method: clinical testing. Allele origin: germline. Observed: 1 variant allele.
Comment: Thr27475Thr in exon 284 of TTN: This variant is not expected to have clinical si gnificance because it does not alter an amino acid residue and is not located wi thin the splice consensus sequence. Thr27475 Thr in exon 284 of TTN (allele fr equency = n/a)